The following is an entry in ClinVar:

NM_000045.4(ARG1):c.648C>T (p.Leu216=)

Genes: ARG1 (arginase 1; plus strand), MED23 (mediator complex subunit 23; minus strand). Cytogenetic location: 6q23.2.
Variant type: single nucleotide variant.
Coding change: c.648C>T on transcript NM_000045.4 (MANE Select); coding-DNA position 648, C replaced by T.
Protein change: p.Leu216=; no amino-acid change (leucine 216 retained).
Molecular consequence: synonymous variant. On other transcripts: non-coding transcript variant (1), intron variant (2).
Genome position (GRCh38, 1-based): chr6:131,583,147, C>T. VCF-style: chr6-131583147-C-T. GRCh37 (hg19) VCF-style: chr6-131904287-C-T.
Other names: c.672C>T, p.Leu224= (NM_001244438.2); c.393C>T, p.Leu131= (NM_001369020.1); c.4077+4562G>A (NM_001270521.2); c.4095+4562G>A (NM_015979.4).
Identifiers: ClinVar variation 2733485 (VCV002733485.16), dbSNP rs2482384464, ClinGen allele CA452152299.

ClinVar aggregate classification (germline): Likely benign. Review status: criteria provided, multiple submitters, no conflicts (2 of 4 stars). 2 submissions from 2 submitters: Likely benign (2). Last evaluated 2024-09-01.

Conditions:
Arginase deficiency. Also called: ARGININEMIA; ARG1 DEFICIENCY; Arginase 1 Deficiency. Identifiers: Orphanet 90, MedGen C0268548, MONDO:0008814, OMIM 207800.

Allele frequency attached by ClinVar (database versions not stated): gnomAD exomes below 0.00001.
gnomAD v4.1: 1 of 1,613,682 alleles (0.000062%); highest among the groups gnomAD compares: Non-Finnish European, 0.000085%; no homozygotes.

Submissions (2):

CeGaT Center for Human Genetics Tuebingen
Classification: Likely benign. Last evaluated: 2024-09-01. Review status: criteria provided, single submitter. Criteria: CeGaT Center For Human Genetics Tuebingen Variant Classification Criteria Version 2. Collection method: clinical testing. Allele origin: germline. Affected: yes. Observed: 1 variant allele.
Comment: ARG1: BP4, BP7

Labcorp Genetics (formerly Invitae), Labcorp
Classification: Likely benign for Arginase deficiency. Last evaluated: 2023-06-29. Review status: criteria provided, single submitter. Criteria: Invitae Variant Classification Sherloc (09022015). Collection method: clinical testing. Allele origin: germline.